The following is an entry in ClinVar:

ClinVar aggregate classification (germline): Pathogenic (1 of 4 stars; one submission).

Conditions:
Aniridia 1 (AN1). Identifiers: Orphanet 250923, MedGen C0344542, MONDO:0024507, OMIM 106210.
Irido-corneo-trabecular dysgenesis (ASGD5). Also called: ANTERIOR SEGMENT DYSGENESIS 5. Identifiers: Orphanet 708, MedGen C0344559, MONDO:0011414, OMIM 604229, HP:0000659.

Submission:

Labcorp Genetics (formerly Invitae), Labcorp
Classification: Pathogenic for Aniridia 1; Irido-corneo-trabecular dysgenesis. Last evaluated: 2022-07-11. Review status: criteria provided, single submitter. Criteria: Invitae Variant Classification Sherloc (09022015). Collection method: clinical testing. Allele origin: germline.
Comment: This sequence change creates a premature translational stop signal (p.Ala263Profs*9) in the PAX6 gene. It is expected to result in an absent or disrupted protein product. Loss-of-function variants in PAX6 are known to be pathogenic (PMID: 12634864). This variant is not present in population databases (gnomAD no frequency). This variant has not been reported in the literature in individuals affected with PAX6-related conditions. ClinVar contains an entry for this variant (Variation ID: 1372939). For these reasons, this variant has been classified as Pathogenic.

Literature cited by the submitters: PubMed 12634864.

NM_001368894.2(PAX6):c.829del (p.Ala277fs)

Gene: PAX6 (paired box 6; minus strand). Cytogenetic location: 11p13.
Variant type: Deletion.
Coding change: c.829del on transcript NM_001368894.2 (MANE Select); coding-DNA position 829, one base deleted (G; older notation c.829delG).
Protein change: p.Ala277fs; shifts the reading frame from alanine 277.
Molecular consequence: frameshift variant. On other transcripts: non-coding transcript variant (2).
Genome position (GRCh38, 1-based): chr11:31,793,781, C deleted on the plus strand (G on the coding strand, the reverse complement: PAX6 is on the minus strand); the first of 3 consecutive C bases (chr11:31,793,781-31,793,783); deleting any one gives the same sequence. VCF-style (leftmost placement, unchanged base first): chr11-31793780-GC-G. GRCh37 (hg19) VCF-style: chr11-31815328-GC-G.
Other names: c.787del, p.Ala263fs (NM_000280.6, NM_001127612.3, NM_001258464.2 and 10 more transcripts); c.829del, p.Ala277fs (NM_001258462.3, NM_001258463.2, NM_001310158.2 and 6 more transcripts); c.379del, p.Ala127fs (NM_001310160.2, NM_001310161.3, NM_001368899.2 and 11 more transcripts); c.1030del, p.Ala344fs (NM_001368910.2); c.832del, p.Ala278fs (NM_001368911.2); c.904del, p.Ala302fs (NM_001368918.2, NM_001368919.2); c.862del, p.Ala288fs (NM_001368920.2); c.628del, p.Ala210fs (NM_001368921.2, NM_001368922.2, NM_001368923.2 and 4 more transcripts); and 2 more; short protein forms A127fs, A210fs, A263fs, A277fs, A344fs, A302fs, A196fs, A278fs.
Identifiers: ClinVar variation 1372939 (VCV001372939.7), dbSNP rs2134595824, ClinGen allele CA2573146285.